The following is an entry in ClinVar:

NM_015466.4(PTPN23):c.2855G>T (p.Gly952Val)

Gene: PTPN23 (protein tyrosine phosphatase non-receptor type 23; plus strand). Cytogenetic location: 3p21.31.
Variant type: single nucleotide variant.
Coding change: c.2855G>T on transcript NM_015466.4 (MANE Select); coding-DNA position 2855, G replaced by T.
Protein change: p.Gly952Val; replaces glycine 952 with valine.
Molecular consequence: missense variant.
Genome position (GRCh38, 1-based): chr3:47,410,653, G>T. VCF-style: chr3-47410653-G-T. GRCh37 (hg19) VCF-style: chr3-47452143-G-T.
Other names: c.2477G>T, p.Gly826Val (NM_001304482.2); short protein forms G826V, G952V.
Identifiers: ClinVar variation 1395254 (VCV001395254.6), dbSNP rs1559528487, ClinGen allele CA352560640.
Genomic context (GRCh38, chr3:47,410,653, plus strand): 5'-TCCCGGCACAGCACCACTTCTCTTCTGGGATCCCCGCAGGTTTTCCAGCCCCAAGGATTG[G>T]GCCCCAGCCCCAGCCCCATCCTCAGCCCCATCCTTCACAAGCGTTTGGGCCTCAGCCCCC-3'
Protein context (NP_056281.1, residues 942-962): IPAGFPAPRI[Gly952Val]PQPQPHPQPH

ClinVar aggregate classification (germline): Uncertain significance (1 of 4 stars; one submission).

Submission:

Labcorp Genetics (formerly Invitae), Labcorp
Classification: Uncertain significance. Last evaluated: 2023-08-10. Review status: criteria provided, single submitter. Criteria: Invitae Variant Classification Sherloc (09022015). Collection method: clinical testing. Allele origin: germline.
Comment: This sequence change replaces glycine, which is neutral and non-polar, with valine, which is neutral and non-polar, at codon 952 of the PTPN23 protein (p.Gly952Val). This variant is not present in population databases (gnomAD no frequency). In summary, the available evidence is currently insufficient to determine the role of this variant in disease. Therefore, it has been classified as a Variant of Uncertain Significance. Experimental studies and prediction algorithms are not available or were not evaluated, and the functional significance of this variant is currently unknown. ClinVar contains an entry for this variant (Variation ID: 1395254). This variant has not been reported in the literature in individuals affected with PTPN23-related conditions.